The following is an entry in ClinVar:

NM_001321759.2(CDIN1):c.274-2A>T

Gene: CDIN1 (CDAN1 interacting nuclease 1; plus strand). Cytogenetic location: 15q14.
Variant type: single nucleotide variant.
Coding change: c.274-2A>T on transcript NM_001321759.2 (MANE Select); the canonical splice acceptor site of the intron before coding-DNA position 274, A replaced by T.
Molecular consequence: splice acceptor variant.
Genome position (GRCh38, 1-based): chr15:36,657,831, A>T. VCF-style: chr15-36657831-A-T. GRCh37 (hg19) VCF-style: chr15-36950032-A-T.
Other names: c.-130-2A>T (NM_001321757.2); c.274-2A>T (NM_001321761.2, NM_001130010.3, NM_001321760.2 and 1 more transcripts); c.-21-2A>T (NM_001321756.2, NM_032499.6, NM_001290232.2); c.163-2A>T (NM_001321758.2).
Identifiers: ClinVar variation 4749179 (VCV004749179.1).
Genomic context (GRCh38, chr15:36,657,831, plus strand): 5'-ACTGGAGTATCCACTGCTCGCACAACTTGATAGTTTTAATTTTCTACTTCTGTTTTATAA[A>T]GGTGGACTATGCGCCCTCATTAATGGCTCGGCTTATACTGGAGAGGTTTCTACAGGAACA-3'

ClinVar aggregate classification (germline): Uncertain significance (1 of 4 stars; one submission).

gnomAD v4.1: 42 of 1,609,400 alleles (0.0026%); highest among the groups gnomAD compares: Non-Finnish European, 0.0035%; no homozygotes.

Submission:

Labcorp Genetics (formerly Invitae), Labcorp
Classification: Uncertain significance. Last evaluated: 2025-11-01. Review status: criteria provided, single submitter. Criteria: Invitae Variant Classification Sherloc (09022015). Collection method: clinical testing. Allele origin: germline.
Comment: This sequence change affects an acceptor splice site in intron 4 of the C15orf41 gene. It is expected to disrupt RNA splicing. Variants that disrupt the donor or acceptor splice site typically lead to a loss of protein function (PMID: 16199547), however the current clinical and genetic evidence is not sufficient to establish whether loss-of-function variants in C15orf41 cause disease. This variant is present in population databases (rs770467860, gnomAD 0.008%). This variant has not been reported in the literature in individuals affected with C15orf41-related conditions. Algorithms developed to predict the effect of sequence changes on RNA splicing suggest that this variant may disrupt the consensus splice site. In summary, the available evidence is currently insufficient to determine the role of this variant in disease. Therefore, it has been classified as a Variant of Uncertain Significance.

Literature cited by the submitters: PubMed 16199547.